The following is an entry in ClinVar:

NM_001283009.2(RTEL1):c.1614A>T (p.Leu538Phe)

Genes: RTEL1 (regulator of telomere elongation helicase 1; plus strand), RTEL1-TNFRSF6B (RTEL1-TNFRSF6B readthrough (NMD candidate); plus strand). Cytogenetic location: 20q13.33.
Variant type: single nucleotide variant.
Coding change: c.1614A>T on transcript NM_001283009.2 (MANE Select); coding-DNA position 1614, A replaced by T.
Protein change: p.Leu538Phe; replaces leucine 538 with phenylalanine.
Molecular consequence: missense variant. On other transcripts: non-coding transcript variant (1).
Genome position (GRCh38, 1-based): chr20:63,688,157, A>T. VCF-style: chr20-63688157-A-T. GRCh37 (hg19) VCF-style: chr20-62319510-A-T.
Other names: c.945A>T, p.Leu315Phe (NM_001283010.1); c.1614A>T, p.Leu538Phe (NM_016434.4); c.1686A>T, p.Leu562Phe (NM_032957.5); short protein forms L538F, L562F, L315F.
Identifiers: ClinVar variation 2944480 (VCV002944480.3), dbSNP rs2517118062, ClinGen allele CA409677033.

ClinVar aggregate classification (germline): Uncertain significance (1 of 4 stars; one submission).

Conditions:
Dyskeratosis congenita, autosomal recessive 5 (DKCB5). Identifiers: MedGen C3554656, MONDO:0014076, OMIM 615190.
Pulmonary fibrosis and/or bone marrow failure, Telomere-related, 3. Also called: PULMONARY FIBROSIS AND/OR BONE MARROW FAILURE SYNDROME, TELOMERE-RELATED, 3. Identifiers: Orphanet 2032, MedGen C4225346, MONDO:0014613, OMIM 616373.

Submission:

Labcorp Genetics (formerly Invitae), Labcorp
Classification: Uncertain significance for Dyskeratosis congenita, autosomal recessive 5; Pulmonary fibrosis and/or bone marrow failure, Telomere-related, 3. Last evaluated: 2023-03-10. Review status: criteria provided, single submitter. Criteria: Invitae Variant Classification Sherloc (09022015). Collection method: clinical testing. Allele origin: germline.
Comment: This sequence change replaces leucine, which is neutral and non-polar, with phenylalanine, which is neutral and non-polar, at codon 538 of the RTEL1 protein (p.Leu538Phe). This variant is not present in population databases (gnomAD no frequency). This variant has not been reported in the literature in individuals affected with RTEL1-related conditions. An algorithm developed to predict the effect of missense changes on protein structure and function (PolyPhen-2) suggests that this variant is likely to be disruptive. In summary, the available evidence is currently insufficient to determine the role of this variant in disease. Therefore, it has been classified as a Variant of Uncertain Significance.